The following is an entry in ClinVar:

NM_032737.4(LMNB2):c.1490C>T (p.Ser497Phe)

Gene: LMNB2 (lamin B2; minus strand). Cytogenetic location: 19p13.3.
Variant type: single nucleotide variant.
Coding change: c.1490C>T on transcript NM_032737.4 (MANE Select); coding-DNA position 1490, C replaced by T.
Protein change: p.Ser497Phe; replaces serine 497 with phenylalanine.
Molecular consequence: missense variant.
Genome position (GRCh38, 1-based): chr19:2,432,516, G>A on the plus strand (C>T on the coding strand, the complement: LMNB2 is on the minus strand). VCF-style: chr19-2432516-G-A. GRCh37 (hg19) VCF-style: chr19-2432514-G-A.
Other names: short protein forms S497F.
Identifiers: ClinVar variation 4281151 (VCV004281151.7).

ClinVar aggregate classification (germline): Likely benign (1 of 4 stars; one submission).

Submission:

CeGaT Center for Human Genetics Tuebingen
Classification: Likely benign. Last evaluated: 2025-09-01. Review status: criteria provided, single submitter. Criteria: CeGaT Center For Human Genetics Tuebingen Variant Classification Criteria Version 2. Collection method: clinical testing. Allele origin: germline. Affected: yes. Observed: 1 variant allele.
Comment: LMNB2: BP4